The following is an entry in ClinVar:

ClinVar aggregate classification (germline): Uncertain significance (1 of 4 stars; one submission).

Submission:

Ambry Genetics
Classification: Uncertain significance. Last evaluated: 2023-08-29. Review status: criteria provided, single submitter. Criteria: Ambry Variant Classification Scheme 2023. Collection method: clinical testing. Allele origin: germline.
Comment: The p.E904K variant (also known as c.2710G>A), located in coding exon 4 of the ALPK2 gene, results from a G to A substitution at nucleotide position 2710. The glutamic acid at codon 904 is replaced by lysine, an amino acid with similar properties. This amino acid position is conserved. In addition, this alteration is predicted to be tolerated by in silico analysis. Since supporting evidence is limited at this time, the clinical significance of this alteration remains unclear.

NM_052947.4(ALPK2):c.2710G>A (p.Glu904Lys)

Gene: ALPK2 (alpha kinase 2; minus strand). Cytogenetic location: 18q21.31.
Variant type: single nucleotide variant.
Coding change: c.2710G>A on transcript NM_052947.4 (MANE Select); coding-DNA position 2710, G replaced by A.
Protein change: p.Glu904Lys; replaces glutamic acid 904 with lysine.
Molecular consequence: missense variant.
Genome position (GRCh38, 1-based): chr18:58,537,477, C>T on the plus strand (G>A on the coding strand, the complement: ALPK2 is on the minus strand). VCF-style: chr18-58537477-C-T. GRCh37 (hg19) VCF-style: chr18-56204709-C-T.
Other names: short protein forms E904K.
Identifiers: ClinVar variation 1795072 (VCV001795072.3), dbSNP rs2518877344, ClinGen allele CA402569949.